The following is an entry in ClinVar:

NM_031935.3(HMCN1):c.13855C>A (p.Gln4619Lys)

Gene: HMCN1 (hemicentin 1; plus strand). Cytogenetic location: 1q31.1.
Variant type: single nucleotide variant.
Coding change: c.13855C>A on transcript NM_031935.3 (MANE Select); coding-DNA position 13855, C replaced by A.
Protein change: p.Gln4619Lys; replaces glutamine 4619 with lysine.
Molecular consequence: missense variant.
Genome position (GRCh38, 1-based): chr1:186,137,903, C>A. VCF-style: chr1-186137903-C-A. GRCh37 (hg19) VCF-style: chr1-186107035-C-A.
Other names: short protein forms Q4619K.
Identifiers: ClinVar variation 874049 (VCV000874049.12), dbSNP rs137942830, ClinGen allele CA1294776.

ClinVar aggregate classification (germline): Conflicting classifications of pathogenicity. Review status: criteria provided, conflicting classifications (1 of 4 stars). 4 submissions from 4 submitters: Uncertain significance (1); Likely benign (2). 1 of the submissions does not count toward it. Last evaluated 2025-07-09.

Conditions:
HMCN1-related disorder. Also called: HMCN1-related condition.
Age related macular degeneration 1 (ARMD1). Also called: MACULOPATHY, AGE-RELATED, 1. Identifiers: MedGen C1864205, MONDO:0011285, OMIM 603075.

Allele frequency attached by ClinVar (database versions not stated): gnomAD exomes 0.00003 and 0.00008; ExAC 0.00012; ESP Exome Variant Server 0.00015; gnomAD 0.00035 and 0.00038; TOPMed 0.00039; 1000 Genomes Project 0.00040; 1000 Genomes Project 30x 0.00047.
gnomAD v4.1: 100 of 1,614,110 alleles (0.0062%); highest among the groups gnomAD compares: African/African-American, 0.12%; no homozygotes.

Submissions (4):

Labcorp Genetics (formerly Invitae), Labcorp
Classification: Likely benign. Last evaluated: 2025-07-09. Review status: criteria provided, single submitter. Criteria: Invitae Variant Classification Sherloc (09022015). Collection method: clinical testing. Allele origin: germline.

Ambry Genetics
Classification: Uncertain significance. Last evaluated: 2024-11-22. Review status: criteria provided, single submitter. Criteria: Ambry Variant Classification Scheme 2023. Collection method: clinical testing. Allele origin: germline.

Illumina Laboratory Services, Illumina
Classification: Likely benign for Age related macular degeneration 1. Last evaluated: 2018-01-13. Review status: criteria provided, single submitter. Criteria: ICSL Variant Classification Criteria 13 December 2019. Collection method: clinical testing. Allele origin: germline.
Comment: This variant was observed in the ICSL laboratory as part of a predisposition screen in an ostensibly healthy population. It had not been previously curated by ICSL or reported in the Human Gene Mutation Database (HGMD: prior to June 1st, 2018), and was therefore a candidate for classification through an automated scoring system. Utilizing variant allele frequency, disease prevalence and penetrance estimates, and inheritance mode, an automated score was calculated to assess if this variant is too frequent to cause the disease. Based on the score and internal cut-off values, a variant classified as likely benign is not then subjected to further curation. The score for this variant resulted in a classification of likely benign for this disease.

PreventionGenetics, part of Exact Sciences
Classification: Likely benign for HMCN1-related condition. Last evaluated: 2024-03-11. Review status: no assertion criteria provided. Collection method: clinical testing. Allele origin: germline. Not counted in ClinVar's aggregate classification.
Comment: This variant is classified as likely benign based on ACMG/AMP sequence variant interpretation guidelines (Richards et al. 2015 PMID: 25741868, with internal and published modifications).